The following is an entry in ClinVar:

NM_001267550.2(TTN):c.80006G>A (p.Ser26669Asn)

Genes: TTN (titin; minus strand), TTN-AS1 (TTN antisense RNA 1; plus strand). Cytogenetic location: 2q31.2.
Variant type: single nucleotide variant.
Coding change: c.80006G>A on transcript NM_001267550.2 (MANE Select); coding-DNA position 80006, G replaced by A.
Protein change: p.Ser26669Asn; replaces serine 26669 with asparagine.
Molecular consequence: missense variant.
Genome position (GRCh38, 1-based): chr2:178,566,126, C>T on the plus strand (G>A on the coding strand, the complement: TTN is on the minus strand). VCF-style: chr2-178566126-C-T. GRCh37 (hg19) VCF-style: chr2-179430853-C-T.
Other names: c.72302G>A, p.Ser24101Asn (NM_133378.4); c.75083G>A, p.Ser25028Asn (NM_001256850.1); c.52811G>A, p.Ser17604Asn (NM_003319.4); c.53186G>A, p.Ser17729Asn (NM_133432.3); c.53387G>A, p.Ser17796Asn (NM_133437.4); short protein forms S24101N, S26669N, S25028N, S17729N, S17796N, S17604N.
Identifiers: ClinVar variation 179910 (VCV000179910.5), dbSNP rs727505214, ClinGen allele CA185407.

ClinVar aggregate classification (germline): Uncertain significance (1 of 4 stars; one submission).

Allele frequency attached by ClinVar (database versions not stated): gnomAD exomes below 0.00001 and 0.00001; ExAC 0.00001.
gnomAD v4.1: 12 of 1,613,680 alleles (0.00074%); highest among the groups gnomAD compares: Non-Finnish European, 0.001%; no homozygotes.

Submission:

Laboratory for Molecular Medicine, Mass General Brigham Personalized Medicine
Classification: Uncertain significance. Last evaluated: 2014-08-13. Review status: criteria provided, single submitter. Criteria: LMM Criteria. Collection method: clinical testing. Allele origin: germline. Observed: 1 variant allele.
Comment: The Ser24101Asn variant in TTN has not been previously reported in individuals w ith cardiomyopathy or in large population studies. Computational prediction tool s and conservation analysis do not provide strong support for or against an impa ct to the protein. In summary, the clinical significance of theSer24101Asn varia nt is uncertain.